The following is an entry in ClinVar:

NM_000018.4(ACADVL):c.613C>G (p.Leu205Val)

Gene: ACADVL (acyl-CoA dehydrogenase very long chain; plus strand). Cytogenetic location: 17p13.1.
Variant type: single nucleotide variant.
Coding change: c.613C>G on transcript NM_000018.4 (MANE Select); coding-DNA position 613, C replaced by G.
Protein change: p.Leu205Val; replaces leucine 205 with valine.
Molecular consequence: missense variant.
Genome position (GRCh38, 1-based): chr17:7,221,673, C>G. VCF-style: chr17-7221673-C-G. GRCh37 (hg19) VCF-style: chr17-7124992-C-G.
Other names: c.547C>G, p.Leu183Val (NM_001033859.3); c.682C>G, p.Leu228Val (NM_001270447.2); c.385C>G, p.Leu129Val (NM_001270448.2); short protein forms L183V, L205V, L228V, L129V.
Identifiers: ClinVar variation 1447416 (VCV001447416.6), dbSNP rs747347662, ClinGen allele CA8337768.

ClinVar aggregate classification (germline): Uncertain significance (1 of 4 stars; one submission).

Conditions:
Very long chain acyl-CoA dehydrogenase deficiency (ACADVLD). Also called: Very Long-Chain Acyl-Coenzyme A Dehydrogenase Deficiency; VLCAD Deficiency. Identifiers: Orphanet 26793, MedGen C3887523, MONDO:0008723, OMIM 201475.

Allele frequency attached by ClinVar (database versions not stated): ExAC 0.00001; gnomAD 0.00001.

Submission:

Labcorp Genetics (formerly Invitae), Labcorp
Classification: Uncertain significance for Very long chain acyl-CoA dehydrogenase deficiency. Last evaluated: 2024-10-28. Review status: criteria provided, single submitter. Criteria: Invitae Variant Classification Sherloc (09022015). Collection method: clinical testing. Allele origin: germline.
Comment: This sequence change replaces leucine, which is neutral and non-polar, with valine, which is neutral and non-polar, at codon 205 of the ACADVL protein (p.Leu205Val). This variant is present in population databases (rs747347662, gnomAD 0.003%). This variant has not been reported in the literature in individuals affected with ACADVL-related conditions. ClinVar contains an entry for this variant (Variation ID: 1447416). Invitae Evidence Modeling of protein sequence and biophysical properties (such as structural, functional, and spatial information, amino acid conservation, physicochemical variation, residue mobility, and thermodynamic stability) indicates that this missense variant is not expected to disrupt ACADVL protein function with a negative predictive value of 80%. In summary, the available evidence is currently insufficient to determine the role of this variant in disease. Therefore, it has been classified as a Variant of Uncertain Significance.